The following is an entry in ClinVar:

ClinVar aggregate classification (germline): Uncertain significance (1 of 4 stars; one submission).

Conditions:
Encephalopathy, acute, infection-induced (herpes-specific), susceptibility to, 6. Also called: Herpes simplex encephalitis, susceptibility to, 4. Identifiers: Orphanet 1930, MedGen C3553869, MONDO:0013921, OMIM 614850.

Allele frequency attached by ClinVar (database versions not stated): ExAC 0.00001; gnomAD 0.00001; gnomAD exomes 0.00001.
gnomAD v4.1: 11 of 1,614,108 alleles (0.00068%); highest among the groups gnomAD compares: South Asian, 0.0077%; no homozygotes.

Submission:

Labcorp Genetics (formerly Invitae), Labcorp
Classification: Uncertain significance for Encephalopathy, acute, infection-induced (herpes-specific), susceptibility to, 6. Last evaluated: 2024-01-19. Review status: criteria provided, single submitter. Criteria: Invitae Variant Classification Sherloc (09022015). Collection method: clinical testing. Allele origin: germline.
Comment: This sequence change replaces glycine, which is neutral and non-polar, with arginine, which is basic and polar, at codon 437 of the TICAM1 protein (p.Gly437Arg). This variant is present in population databases (rs766706840, gnomAD 0.006%). This variant has not been reported in the literature in individuals affected with TICAM1-related conditions. An algorithm developed to predict the effect of missense changes on protein structure and function (PolyPhen-2) suggests that this variant is likely to be disruptive. In summary, the available evidence is currently insufficient to determine the role of this variant in disease. Therefore, it has been classified as a Variant of Uncertain Significance.

NM_182919.4(TICAM1):c.1309G>A (p.Gly437Arg)

Gene: TICAM1 (TIR domain containing adaptor molecule 1; minus strand). Cytogenetic location: 19p13.3.
Variant type: single nucleotide variant.
Coding change: c.1309G>A on transcript NM_182919.4 (MANE Select); coding-DNA position 1309, G replaced by A.
Protein change: p.Gly437Arg; replaces glycine 437 with arginine.
Molecular consequence: missense variant.
Genome position (GRCh38, 1-based): chr19:4,817,069, C>T on the plus strand (G>A on the coding strand, the complement: TICAM1 is on the minus strand). VCF-style: chr19-4817069-C-T. GRCh37 (hg19) VCF-style: chr19-4817081-C-T.
Other names: c.1267G>A, p.Gly423Arg (NM_001385678.1); c.1174G>A, p.Gly392Arg (NM_001385679.1); c.667G>A, p.Gly223Arg (NM_001385680.1); short protein forms G223R, G423R, G392R, G437R.
Identifiers: ClinVar variation 2992236 (VCV002992236.3), dbSNP rs766706840, ClinGen allele CA9105154.